The following is an entry in ClinVar:

NM_020822.3(KCNT1):c.1390C>T (p.Arg464Cys)

Gene: KCNT1 (potassium sodium-activated channel subfamily T member 1; plus strand). Cytogenetic location: 9q34.3.
Variant type: single nucleotide variant.
Coding change: c.1390C>T on transcript NM_020822.3 (MANE Select); coding-DNA position 1390, C replaced by T.
Protein change: p.Arg464Cys; replaces arginine 464 with cysteine.
Molecular consequence: missense variant.
Genome position (GRCh38, 1-based): chr9:135,768,662, C>T. VCF-style: chr9-135768662-C-T. GRCh37 (hg19) VCF-style: chr9-138660508-C-T.
Other names: c.1255C>T, p.Arg419Cys (NM_001272003.2); short protein forms R464C, R419C.
Identifiers: ClinVar variation 581777 (VCV000581777.10), dbSNP rs1564367281, ClinGen allele CA375504856.
Genomic context (GRCh38, chr9:135,768,662, plus strand): 5'-CATTGCAGGATGGACAATGGGGAGGCCTGCTTCATCCTCAGCAGCAGGAACGAGGTGGAC[C>T]GCACGGCTGCAGTGAGTGAGGCTGAGGCCCTGCCCAGGCGGGAGGGGCACCGTGGGGCCG-3'
Protein context (NP_065873.2, residues 454-474): FILSSRNEVD[Arg464Cys]TAADHQTILR

ClinVar aggregate classification (germline): Uncertain significance. Review status: criteria provided, multiple submitters, no conflicts (2 of 4 stars). 4 submissions from 3 submitters: Uncertain significance (4). Last evaluated 2024-08-13.

Conditions:
Autosomal dominant nocturnal frontal lobe epilepsy 5. Also called: Epilepsy, nocturnal frontal lobe, 5; CILIARY DYSKINESIA, PRIMARY, 28, WITHOUT SITUS INVERSUS; CILIARY DYSKINESIA, PRIMARY, 28, WITH SITUS INVERSUS; KCNT1-Related Epilepsy. Identifiers: Orphanet 98784, MedGen C3554306, MONDO:0014002, OMIM 615005.
Developmental and epileptic encephalopathy, 14 (DEE14). Also called: Early infantile epileptic encephalopathy 14. Identifiers: Orphanet 293181, MedGen C3554195, MONDO:0013989, OMIM 614959.

gnomAD v4.1: 4 of 1,550,342 alleles (0.00026%); highest among the groups gnomAD compares: African/African-American, 0.0014%; no homozygotes.

Submissions (4):

Labcorp Genetics (formerly Invitae), Labcorp
Classification: Uncertain significance for Autosomal dominant nocturnal frontal lobe epilepsy 5; Developmental and epileptic encephalopathy, 14. Last evaluated: 2024-08-13. Review status: criteria provided, single submitter. Criteria: Invitae Variant Classification Sherloc (09022015). Collection method: clinical testing. Allele origin: germline.
Comment: This sequence change replaces arginine, which is basic and polar, with cysteine, which is neutral and slightly polar, at codon 464 of the KCNT1 protein (p.Arg464Cys). This variant is not present in population databases (gnomAD no frequency). This variant has not been reported in the literature in individuals affected with KCNT1-related conditions. This missense change has been observed in at least one individual who was not affected with KCNT1-related conditions (Invitae). ClinVar contains an entry for this variant (Variation ID: 581777). Advanced modeling of protein sequence and biophysical properties (such as structural, functional, and spatial information, amino acid conservation, physicochemical variation, residue mobility, and thermodynamic stability) performed at Invitae indicates that this missense variant is expected to disrupt KCNT1 protein function with a positive predictive value of 80%. In summary, the available evidence is currently insufficient to determine the role of this variant in disease. Therefore, it has been classified as a Variant of Uncertain Significance.

GeneDx
Classification: Uncertain significance. Last evaluated: 2023-01-11. Review status: criteria provided, single submitter. Criteria: GeneDx Variant Classification Process June 2021. Collection method: clinical testing. Allele origin: germline. Affected: yes.
Comment: Not observed at significant frequency in large population cohorts (gnomAD); In silico analysis supports that this missense variant has a deleterious effect on protein structure/function; Has not been previously published as pathogenic or benign to our knowledge

Genome-Nilou Lab
Classification: Uncertain significance for Developmental and epileptic encephalopathy, 14. Last evaluated: 2022-03-15. Review status: criteria provided, single submitter. Criteria: ACMG Guidelines, 2015. Collection method: clinical testing. Allele origin: germline. Affected: no.

Genome-Nilou Lab
Classification: Uncertain significance for Autosomal dominant nocturnal frontal lobe epilepsy 5. Last evaluated: 2022-03-15. Review status: criteria provided, single submitter. Criteria: ACMG Guidelines, 2015. Collection method: clinical testing. Allele origin: germline. Affected: no.